The following is an entry in ClinVar:

ClinVar aggregate classification (germline): Uncertain significance (1 of 4 stars; one submission).

Conditions:
Fanconi anemia (FA). Also called: Fanconi's anemia. Identifiers: Orphanet 84, MedGen C0015625, MeSH D005199, MONDO:0019391.

Allele frequency attached by ClinVar (database versions not stated): gnomAD exomes below 0.00001.
gnomAD v4.1: 6 of 1,606,362 alleles (0.00037%); highest among the groups gnomAD compares: South Asian, 0.0033%; no homozygotes.

Submission:

Labcorp Genetics (formerly Invitae), Labcorp
Classification: Uncertain significance for Fanconi anemia. Last evaluated: 2024-05-26. Review status: criteria provided, single submitter. Criteria: Invitae Variant Classification Sherloc (09022015). Collection method: clinical testing. Allele origin: germline.
Comment: This sequence change replaces phenylalanine, which is neutral and non-polar, with leucine, which is neutral and non-polar, at codon 51 of the FANCI protein (p.Phe51Leu). This variant is present in population databases (no rsID available, gnomAD 0.003%). This variant has not been reported in the literature in individuals affected with FANCI-related conditions. ClinVar contains an entry for this variant (Variation ID: 2202193). Advanced modeling of protein sequence and biophysical properties (such as structural, functional, and spatial information, amino acid conservation, physicochemical variation, residue mobility, and thermodynamic stability) performed at Invitae indicates that this missense variant is not expected to disrupt FANCI protein function with a negative predictive value of 80%. In summary, the available evidence is currently insufficient to determine the role of this variant in disease. Therefore, it has been classified as a Variant of Uncertain Significance.

NM_001113378.2(FANCI):c.153C>G (p.Phe51Leu)

Gene: FANCI (FA complementation group I; plus strand). Cytogenetic location: 15q26.1.
Variant type: single nucleotide variant.
Coding change: c.153C>G on transcript NM_001113378.2 (MANE Select); coding-DNA position 153, C replaced by G.
Protein change: p.Phe51Leu; replaces phenylalanine 51 with leucine.
Molecular consequence: missense variant. On other transcripts: 5 prime UTR variant (1).
Genome position (GRCh38, 1-based): chr15:89,258,772, C>G. VCF-style: chr15-89258772-C-G. GRCh37 (hg19) VCF-style: chr15-89802003-C-G.
Other names: c.-127C>G (NM_001376910.1); c.153C>G, p.Phe51Leu (NM_001376911.1, NM_018193.3); short protein forms F51L.
Identifiers: ClinVar variation 2202193 (VCV002202193.4), dbSNP rs1232437778, ClinGen allele CA393737600.